The following is an entry in ClinVar:

ClinVar aggregate classification (germline): Pathogenic (1 of 4 stars; one submission).

Conditions:
Neurofibromatosis, type 1 (NF1). Also called: VON RECKLINGHAUSEN DISEASE; Peripheral type neurofibromatosis; NEUROFIBROMATOSIS, TYPE I, SOMATIC; Neurofibromatosis, type I. Identifiers: Orphanet 636, MedGen C0027831, MONDO:0018975, OMIM 162200. Disease mechanism: loss of function.

Submission:

Labcorp Genetics (formerly Invitae), Labcorp
Classification: Pathogenic for Neurofibromatosis, type 1. Last evaluated: 2020-07-21. Review status: criteria provided, single submitter. Criteria: Invitae Variant Classification Sherloc (09022015). Collection method: clinical testing. Allele origin: germline.
Comment: For these reasons, this variant has been classified as Pathogenic. Loss-of-function variants in NF1 are known to be pathogenic (PMID: 10712197, 23913538). This variant has not been reported in the literature in individuals with NF1-related conditions. This variant is not present in population databases (ExAC no frequency). This sequence change creates a premature translational stop signal (p.Leu2516Cysfs*11) in the NF1 gene. It is expected to result in an absent or disrupted protein product.

Literature cited by the submitters: PubMed 10712197; PubMed 23913538.

NM_001042492.3(NF1):c.7610del (p.Leu2537fs)

Gene: NF1 (neurofibromin 1; plus strand). Cytogenetic location: 17q11.2.
Variant type: Deletion.
Coding change: c.7610del on transcript NM_001042492.3 (MANE Select); coding-DNA position 7610, one base deleted (T; older notation c.7610delT).
Protein change: p.Leu2537fs; shifts the reading frame from leucine 2537.
Molecular consequence: frameshift variant.
Genome position (GRCh38, 1-based): chr17:31,352,409, T deleted; the last of 2 consecutive T bases (chr17:31,352,408-31,352,409); deleting either gives the same sequence. VCF-style (leftmost placement, unchanged base first): chr17-31352407-GT-G. GRCh37 (hg19) VCF-style: chr17-29679425-GT-G.
Other names: c.7547delT, p.Leu2516Cysfs (NM_000267.4); short protein forms L2516fs, L2537fs.
Identifiers: ClinVar variation 1072172 (VCV001072172.5), dbSNP rs2151577433, ClinGen allele CA2499224232.
Genomic context (GRCh38, chr17:31,352,407, plus strand): 5'-CCGAGCCAGGAAATCCATGAGCCTGGACATGGGGCAACCTTCTCAGGCCAACACTAAGAA[GT>G]TGCTTGGTTAGTTTATCTAAATTATGTAGATTTTTTTTATTATTTAAAAAAATAGATATT-3'